The following is an entry in ClinVar:

ClinVar aggregate classification (germline): Uncertain significance (1 of 4 stars; one submission).

Conditions:
Inborn genetic diseases. Identifiers: MedGen C0950123, MeSH D030342.

gnomAD v4.1: 1 of 1,609,882 alleles (0.000062%); highest among the groups gnomAD compares: Non-Finnish European, 0.000085%; no homozygotes.

Submission:

Ambry Genetics
Classification: Uncertain significance for Inborn genetic diseases. Last evaluated: 2026-08-27. Review status: criteria provided, single submitter. Criteria: Ambry Variant Classification Scheme 2023. Collection method: clinical testing. Allele origin: germline.
Comment: The p.H1221R variant (also known as c.3662A>G), located in coding exon 33 of the RTEL1 gene, results from an A to G substitution at nucleotide position 3662. The histidine at codon 1221 is replaced by arginine, an amino acid with highly similar properties. This amino acid position is conserved. In addition, this alteration is predicted to be tolerated by in silico analysis. Based on the available evidence, the clinical significance of this variant remains unclear.

NM_001283009.2(RTEL1):c.3662A>G (p.His1221Arg)

Genes: RTEL1 (regulator of telomere elongation helicase 1; plus strand), RTEL1-TNFRSF6B (RTEL1-TNFRSF6B readthrough (NMD candidate); plus strand). Cytogenetic location: 20q13.33.
Variant type: single nucleotide variant.
Coding change: c.3662A>G on transcript NM_001283009.2 (MANE Select); coding-DNA position 3662, A replaced by G.
Protein change: p.His1221Arg; replaces histidine 1221 with arginine.
Molecular consequence: missense variant. On other transcripts: non-coding transcript variant (1), intron variant (3).
Genome position (GRCh38, 1-based): chr20:63,695,490, A>G. VCF-style: chr20-63695490-A-G. GRCh37 (hg19) VCF-style: chr20-62326843-A-G.
Other names: c.2983+10A>G (NM_001283010.1); c.3724+10A>G (NM_032957.5); c.3652+10A>G (NM_016434.4); short protein forms H1221R.
Identifiers: ClinVar variation 5028525 (VCV005028525.1).